The following is an entry in ClinVar:

NM_001017995.3(SH3PXD2B):c.921G>C (p.Gln307His)

Gene: SH3PXD2B (SH3 and PX domains 2B; minus strand). Cytogenetic location: 5q35.1.
Variant type: single nucleotide variant.
Coding change: c.921G>C on transcript NM_001017995.3 (MANE Select); coding-DNA position 921, G replaced by C.
Protein change: p.Gln307His; replaces glutamine 307 with histidine.
Molecular consequence: missense variant.
Genome position (GRCh38, 1-based): chr5:172,350,454, C>G on the plus strand (G>C on the coding strand, the complement: SH3PXD2B is on the minus strand). VCF-style: chr5-172350454-C-G. GRCh37 (hg19) VCF-style: chr5-171777458-C-G.
Other names: c.921G>C, p.Gln307His (NM_001308175.2); c.921G>C (NM_001017995.2); short protein forms Q307H.
Identifiers: ClinVar variation 1021652 (VCV001021652.8), dbSNP rs756260892, ClinGen allele CA3561383.

ClinVar aggregate classification (germline): Uncertain significance. Review status: criteria provided, multiple submitters, no conflicts (2 of 4 stars). 2 submissions from 2 submitters: Uncertain significance (2). Last evaluated 2025-09-09.

Conditions:
Inborn genetic diseases. Identifiers: MedGen C0950123, MeSH D030342.

Allele frequency attached by ClinVar (database versions not stated): gnomAD 0.00001; TOPMed 0.00001; ExAC 0.00004; gnomAD exomes 0.00004.
gnomAD v4.1: 61 of 1,614,084 alleles (0.0038%); highest among the groups gnomAD compares: Non-Finnish European, 0.0047%; no homozygotes.

Submissions (2):

Ambry Genetics
Classification: Uncertain significance for Inborn genetic diseases. Last evaluated: 2025-09-09. Review status: criteria provided, single submitter. Criteria: Ambry Variant Classification Scheme 2023. Collection method: clinical testing. Allele origin: germline.

Labcorp Genetics (formerly Invitae), Labcorp
Classification: Uncertain significance. Last evaluated: 2024-02-17. Review status: criteria provided, single submitter. Criteria: Invitae Variant Classification Sherloc (09022015). Collection method: clinical testing. Allele origin: germline.
Comment: This sequence change replaces glutamine, which is neutral and polar, with histidine, which is basic and polar, at codon 307 of the SH3PXD2B protein (p.Gln307His). This variant is present in population databases (rs756260892, gnomAD 0.01%). This variant has not been reported in the literature in individuals affected with SH3PXD2B-related conditions. ClinVar contains an entry for this variant (Variation ID: 1021652). An algorithm developed to predict the effect of missense changes on protein structure and function (PolyPhen-2) suggests that this variant¬†is likely to be tolerated. In summary, the available evidence is currently insufficient to determine the role of this variant in disease. Therefore, it has been classified as a Variant of Uncertain Significance.